The following is an entry in ClinVar:

NC_000009.11:g.(?_137533651)_(137534142_?)dup

Gene: COL5A1 (collagen type V alpha 1 chain; plus strand). Cytogenetic location: 9q34.3.
Variant type: Duplication.
Identifiers: ClinVar variation 417457 (VCV000417457.3).

ClinVar aggregate classification (germline): Uncertain significance (1 of 4 stars; one submission).

Conditions:
Ehlers-Danlos syndrome, classic type (cEDS). Identifiers: Orphanet 287, MedGen C4225429, MONDO:0007522.

Submission:

Labcorp Genetics (formerly Invitae), Labcorp
Classification: Uncertain significance for Ehlers-Danlos syndrome, classic type, 1. Last evaluated: 2016-10-27. Review status: criteria provided, single submitter. Criteria: Invitae Variant Classification Sherloc (09022015). Collection method: clinical testing. Allele origin: germline.
Comment: This variant is a gross duplication of the genomic region encompassing exon 1 of the COL5A1 gene. The 5' end of this event is unknown as it extends beyond the assayed region for this gene and therefore may encompass additional genes. The 3' boundary is likely confined to intron 1 of the COL5A1 gene. This variant has not been reported in the literature in individuals with a COL5A1-related disease. Experimental studies and prediction algorithms are not available for this variant, and the functional significance of the duplicated amino acids is currently unknown. In summary, the exact genomic location of this variant is unknown and the impact of this duplication on COL5A1 protein function has not been established. Therefore, it has been classified as a Variant of Unknown Significance.